The following is an entry in ClinVar:

NM_001457.4(FLNB):c.4774G>A (p.Val1592Ile)

Gene: FLNB (filamin B; plus strand). Cytogenetic location: 3p14.3.
Variant type: single nucleotide variant.
Coding change: c.4774G>A on transcript NM_001457.4 (MANE Select); coding-DNA position 4774, G replaced by A.
Protein change: p.Val1592Ile; replaces valine 1592 with isoleucine.
Molecular consequence: missense variant.
Genome position (GRCh38, 1-based): chr3:58,136,081, G>A. VCF-style: chr3-58136081-G-A. GRCh37 (hg19) VCF-style: chr3-58121808-G-A.
Other names: c.4867G>A, p.Val1623Ile (NM_001164317.2); c.4774G>A, p.Val1592Ile (NM_001164318.2, NM_001164319.2); short protein forms V1592I, V1623I.
Identifiers: ClinVar variation 1197292 (VCV001197292.17), dbSNP rs754360853, ClinGen allele CA2468861.

ClinVar aggregate classification (germline): Conflicting classifications of pathogenicity. Review status: criteria provided, conflicting classifications (1 of 4 stars). 3 submissions from 3 submitters: Uncertain significance (2); Likely benign (1). Last evaluated 2025-12-24.

Allele frequency attached by ClinVar (database versions not stated): gnomAD 0.00001; gnomAD exomes 0.00005 and 0.00012; TOPMed 0.00006; ExAC 0.00007.
gnomAD v4.1: 32 of 1,614,094 alleles (0.002%); highest among the groups gnomAD compares: Admixed American, 0.05%; no homozygotes.

Submissions (3):

Labcorp Genetics (formerly Invitae), Labcorp
Classification: Likely benign. Last evaluated: 2025-12-24. Review status: criteria provided, single submitter. Criteria: Invitae Variant Classification Sherloc (09022015). Collection method: clinical testing. Allele origin: germline.

ARUP Laboratories, Molecular Genetics and Genomics, ARUP Laboratories
Classification: Uncertain significance. Last evaluated: 2021-02-17. Review status: criteria provided, single submitter. Criteria: ARUP Molecular Germline Variant Investigation Process 2021. Collection method: clinical testing. Allele origin: germline.
Comment: The FLNB c.4774G>A; p.Val1592Ile variant (rs754360853), to our knowledge, is not reported in the medical literature or gene specific databases. However, another variant at this codon (c.4775T>A; p.Val1592Asp) has been reported in two related individuals with Larsen syndrome and is considered pathogenic (Bicknell 2007). The c.4774G>A; p.Val1592Ile variant is found in the Latino population with an allele frequency of 0.084% (29/34578 alleles) in the Genome Aggregation Database. The valine at codon 1592 is highly conserved, but computational analyses are uncertain whether this variant is neutral or deleterious (REVEL: 0.264). Due to limited information, the clinical significance of the p.Val1592Ile variant is uncertain at this time. References: Bicknell LS et al. A molecular and clinical study of Larsen syndrome caused by mutations in FLNB. J Med Genet. 2007 Feb;44(2):89-98.

GeneDx
Classification: Uncertain significance. Last evaluated: 2020-12-31. Review status: criteria provided, single submitter. Criteria: GeneDx Variant Classification Process June 2021. Collection method: clinical testing. Allele origin: germline. Affected: yes.
Comment: In silico analysis supports that this missense variant does not alter protein structure/function; Has not been previously published as pathogenic or benign to our knowledge